The following is an entry in ClinVar:

NM_000823.4(GHRHR):c.465-1G>A

Gene: GHRHR (growth hormone releasing hormone receptor; plus strand). Cytogenetic location: 7p14.3.
Variant type: single nucleotide variant.
Coding change: c.465-1G>A on transcript NM_000823.4 (MANE Select); the canonical splice acceptor site of the intron before coding-DNA position 465, G replaced by A.
Molecular consequence: splice acceptor variant.
Genome position (GRCh38, 1-based): chr7:30,971,962, G>A. VCF-style: chr7-30971962-G-A. GRCh37 (hg19) VCF-style: chr7-31011577-G-A.
Identifiers: ClinVar variation 3391278 (VCV003391278.1).

ClinVar aggregate classification (germline): Likely pathogenic (1 of 4 stars; one submission).

Conditions:
Isolated growth hormone deficiency, type 4. Also called: ISOLATED GROWTH HORMONE DEFICIENCY, TYPE IV; DWARFISM OF SINDH. Identifiers: Orphanet 684247, MedGen C4722273, MONDO:0032567, OMIM 618157.

Submission:

Neuberg Centre For Genomic Medicine, NCGM
Classification: Likely pathogenic for Isolated growth hormone deficiency, type 4. Review status: criteria provided, single submitter. Criteria: ACMG Guidelines, 2015. Collection method: clinical testing. Allele origin: germline. Inheritance: Autosomal recessive inheritance. Affected: yes.
Comment: The observed splice site c.465-1G>A variant in the GHRHR gene has not been reported previously as a pathogenic variant nor as a benign variant, to our knowledge. The variant is absent in the gnomAD Exomes. The variant affects the AG acceptor splice site upstream to exon 10. Loss of function variants have been previously reported to be disease causing Nakaguma M, et al., 2019. The variant is predicted to be damaging by SpliceAI prediction tool. For these reasons, this variant has been classified as Likely Pathogenic.